The following is an entry in ClinVar:

ClinVar aggregate classification (germline): Likely pathogenic (1 of 4 stars; one submission).

Submission:

Labcorp Genetics (formerly Invitae), Labcorp
Classification: Likely pathogenic. Last evaluated: 2025-05-22. Review status: criteria provided, single submitter. Criteria: Invitae Variant Classification Sherloc (09022015). Collection method: clinical testing. Allele origin: germline.
Comment: This variant results in the deletion of part of exon 40 (c.4303_4365+901delinsCAA) of the TTC37 gene. It is expected to disrupt RNA splicing. Variants that disrupt the donor or acceptor splice site typically lead to a loss of protein function (PMID: 16199547), and loss-of-function variants in TTC37 are known to be pathogenic (PMID: 20176027, 21120949). This variant is not present in population databases (gnomAD no frequency). This variant has not been reported in the literature in individuals affected with TTC37-related conditions. In summary, the currently available evidence indicates that the variant is pathogenic, but additional data are needed to prove that conclusively. Therefore, this variant has been classified as Likely Pathogenic.

Literature cited by the submitters: PubMed 16199547; PubMed 20176027; PubMed 21120949.

NM_014639.4(SKIC3):c.4303_4365+901delinsCAA

Gene: SKIC3 (SKI3 subunit of superkiller complex; minus strand). Cytogenetic location: 5q15.
Variant type: Indel.
Coding change: c.4303_4365+901delinsCAA on transcript NM_014639.4 (MANE Select); coding-DNA position 4303 through 901 bases into the intron after coding-DNA position 4365, the reference bases replaced by CAA.
Molecular consequence: splice donor variant.
Genome position (GRCh38, 1-based): chr5:95,477,389-95,478,352, 964 bases replaced. GRCh37 (hg19): chr5:94,813,093-94,814,056.
Identifiers: ClinVar variation 4720092 (VCV004720092.1).